The following is an entry in ClinVar:

ClinVar aggregate classification (germline): Likely benign. Review status: criteria provided, multiple submitters, no conflicts (2 of 4 stars). 3 submissions from 3 submitters: Likely benign (2). 1 of the submissions does not count toward it. Last evaluated 2025-09-28.

Conditions:
HPS5-related disorder. Also called: HPS5-related condition.

gnomAD v4.1: 4 of 1,608,400 alleles (0.00025%); highest among the groups gnomAD compares: African/African-American, 0.0013%; no homozygotes.

Submissions (3):

Labcorp Genetics (formerly Invitae), Labcorp
Classification: Likely benign. Last evaluated: 2025-09-28. Review status: criteria provided, single submitter. Criteria: Invitae Variant Classification Sherloc (09022015). Collection method: clinical testing. Allele origin: germline.

Blueprint Genetics
Classification: Likely benign. Last evaluated: 2022-07-14. Review status: criteria provided, single submitter. Criteria: ACMG Guidelines, 2015. Collection method: clinical testing. Allele origin: germline.

PreventionGenetics, part of Exact Sciences
Classification: Likely benign for HPS5-related condition. Last evaluated: 2022-02-07. Review status: no assertion criteria provided. Collection method: clinical testing. Allele origin: germline. Not counted in ClinVar's aggregate classification.
Comment: This variant is classified as likely benign based on ACMG/AMP sequence variant interpretation guidelines (Richards et al. 2015 PMID: 25741868, with internal and published modifications).

NM_181507.2(HPS5):c.240C>A (p.Val80=)

Gene: HPS5 (HPS5 biogenesis of lysosomal organelles complex 2 subunit 2; minus strand). Cytogenetic location: 11p15.1.
Variant type: single nucleotide variant.
Coding change: c.240C>A on transcript NM_181507.2 (MANE Select); coding-DNA position 240, C replaced by A.
Protein change: p.Val80=; no amino-acid change (valine 80 retained).
Molecular consequence: synonymous variant. On other transcripts: 5 prime UTR variant (1).
Genome position (GRCh38, 1-based): chr11:18,311,431, G>T on the plus strand (C>A on the coding strand, the complement: HPS5 is on the minus strand). VCF-style: chr11-18311431-G-T. GRCh37 (hg19) VCF-style: chr11-18332978-G-T.
Other names: c.-103C>A (NM_007216.4, NM_181508.2).
Identifiers: ClinVar variation 1491025 (VCV001491025.11), dbSNP rs138423875, ClinGen allele CA218555518.